The following is an entry in ClinVar:

NM_000158.4(GBE1):c.143+10G>T

Gene: GBE1 (1,4-alpha-glucan branching enzyme 1; minus strand). Cytogenetic location: 3p12.2.
Variant type: single nucleotide variant.
Coding change: c.143+10G>T on transcript NM_000158.4 (MANE Select); 10 bases into the intron after coding-DNA position 143, G replaced by T.
Molecular consequence: intron variant.
Genome position (GRCh38, 1-based): chr3:81,761,365, C>A on the plus strand (G>T on the coding strand, the complement: GBE1 is on the minus strand). VCF-style: chr3-81761365-C-A. GRCh37 (hg19) VCF-style: chr3-81810516-C-A.
Identifiers: ClinVar variation 255382 (VCV000255382.26), dbSNP rs9820490, ClinGen allele CA2500076.
Genomic context (GRCh38, chr3:81,761,365, plus strand): 5'-CCGTGTCCCGAGACGGCTCCTGGGAGGCGGGCTGCCTGTCTAAGTGGGGGTGGTGGGATT[C>A]CGGCGGTACCTGCGCTGGAAGTCCACGGCGTAGGGCTTCAAGTACGGGTCGATCTCCAGG-3'

ClinVar aggregate classification (germline): Benign. Review status: criteria provided, multiple submitters, no conflicts (2 of 4 stars). 15 submissions from 13 submitters: Benign (9). 6 of the submissions do not count toward it. Last evaluated 2026-02-04.

Conditions:
Glycogen storage disease, type IV (GSD4). Also called: Glycogen storage disease due to glycogen branching enzyme deficiency; GBE1 DEFICIENCY; GLYCOGEN BRANCHING ENZYME DEFICIENCY; GLYCOGENOSIS IV; GSD IV; AMYLOPECTINOSIS. Identifiers: Orphanet 367, MedGen C0017923, MONDO:0009292, OMIM 232500.
Glycogen storage disease IV, classic hepatic. Also called: GSD IV, CLASSIC HEPATIC. Identifiers: MedGen C1856301.
Adult polyglucosan body disease (APBN). Also called: POLYGLUCOSAN BODY DISEASE, ADULT FORM; GBE1-Adult Polyglucosan Body Disease. Identifiers: Orphanet 206583, MedGen C1849722, MONDO:0009897, OMIM 263570.

Allele frequency attached by ClinVar (database versions not stated): 1000 Genomes Project 0.08786; 1000 Genomes Project 30x 0.08932; TOPMed 0.11985; gnomAD exomes 0.12181 and 0.15572; gnomAD 0.12295 and 0.12510; ExAC 0.12685; ESP Exome Variant Server 0.13023.
gnomAD v4.1: 243,649 of 1,601,546 alleles (15%); highest among the groups gnomAD compares: Non-Finnish European, 17%; 19,918 homozygotes.

Submissions (15):

Labcorp Genetics (formerly Invitae), Labcorp
Classification: Benign for Glycogen storage disease, type IV; Glycogen storage disease IV, classic hepatic. Last evaluated: 2026-02-04. Review status: criteria provided, single submitter. Criteria: Invitae Variant Classification Sherloc (09022015). Collection method: clinical testing. Allele origin: germline.

Blueprint Genetics
Classification: Benign. Last evaluated: 2024-11-26. Review status: criteria provided, single submitter. Criteria: ACMG Guidelines, 2015. Collection method: clinical testing. Allele origin: germline.

Pars Genome Lab
Classification: Benign for Glycogen storage disease, type IV. Last evaluated: 2021-06-15. Review status: criteria provided, single submitter. Criteria: ACMG Guidelines, 2015. Collection method: clinical testing. Allele origin: germline. Affected: no.

Pars Genome Lab
Classification: Benign for Adult polyglucosan body disease. Last evaluated: 2021-06-15. Review status: criteria provided, single submitter. Criteria: ACMG Guidelines, 2015. Collection method: clinical testing. Allele origin: germline. Affected: no.

Illumina Laboratory Services, Illumina
Classification: Benign for Adult polyglucosan body disease. Last evaluated: 2018-01-13. Review status: criteria provided, single submitter. Criteria: ICSL Variant Classification Criteria 13 December 2019. Collection method: clinical testing. Allele origin: germline.
Comment: This variant was observed in the ICSL laboratory as part of a predisposition screen in an ostensibly healthy population. It had not been previously curated by ICSL or reported in the Human Gene Mutation Database (HGMD: prior to June 1st, 2018), and was therefore a candidate for classification through an automated scoring system. Utilizing variant allele frequency, disease prevalence and penetrance estimates, and inheritance mode, an automated score was calculated to assess if this variant is too frequent to cause the disease. Based on the score and internal cut-off values, a variant classified as benign is not then subjected to further curation. The score for this variant resulted in a classification of benign for this disease.

Illumina Laboratory Services, Illumina
Classification: Benign for Glycogen storage disease, type IV. Last evaluated: 2018-01-13. Review status: criteria provided, single submitter. Criteria: ICSL Variant Classification Criteria 13 December 2019. Collection method: clinical testing. Allele origin: germline.
Comment: the same text as in the submission from Illumina Laboratory Services, Illumina above.

GeneDx
Classification: Benign. Last evaluated: 2015-12-17. Review status: criteria provided, single submitter. Criteria: GeneDx Variant Classification (06012015). Collection method: clinical testing. Allele origin: germline. Affected: yes.
Comment: This variant is considered likely benign or benign based on one or more of the following criteria: it is a conservative change, it occurs at a poorly conserved position in the protein, it is predicted to be benign by multiple in silico algorithms, and/or has population frequency not consistent with disease.

Breakthrough Genomics
Classification: Benign. Review status: criteria provided, single submitter. Criteria: ACMG Guidelines, 2015. Collection method: not provided. Allele origin: germline. Inheritance: Autosomal recessive inheritance. Affected: yes.

PreventionGenetics, part of Exact Sciences
Classification: Benign. Review status: criteria provided, single submitter. Criteria: ACMG Guidelines, 2015. Collection method: clinical testing. Allele origin: germline.

Natera, Inc.
Classification: Benign for Glycogen storage disease type IV. Last evaluated: 2020-09-16. Review status: no assertion criteria provided. Collection method: clinical testing. Allele origin: germline. Not counted in ClinVar's aggregate classification.

Mayo Clinic Laboratories, Mayo Clinic
Classification: Benign. Last evaluated: 2016-02-02. Review status: no assertion criteria provided. Collection method: clinical testing. Allele origin: unknown. Not counted in ClinVar's aggregate classification.

Clinical Genetics DNA and cytogenetics Diagnostics Lab, Erasmus MC, Erasmus Medical Center
Classification: Benign. Review status: no assertion criteria provided. Collection method: clinical testing. Allele origin: germline. Affected: yes. Study: VKGL Data-share Consensus. Not counted in ClinVar's aggregate classification.

Clinical Genetics, Academic Medical Center
Classification: Benign. Review status: no assertion criteria provided. Collection method: clinical testing. Allele origin: germline. Affected: yes. Study: VKGL Data-share Consensus. Not counted in ClinVar's aggregate classification.

Genome Diagnostics Laboratory, University Medical Center Utrecht
Classification: Benign. Review status: no assertion criteria provided. Collection method: clinical testing. Allele origin: germline. Affected: yes. Study: VKGL Data-share Consensus. Not counted in ClinVar's aggregate classification.

Joint Genome Diagnostic Labs from Nijmegen and Maastricht, Radboudumc and MUMC+
Classification: Benign. Review status: no assertion criteria provided. Collection method: clinical testing. Allele origin: germline. Affected: yes. Study: VKGL Data-share Consensus. Not counted in ClinVar's aggregate classification.